The following is an entry in ClinVar:

NM_004364.5(CEBPA):c.655C>A (p.His219Asn)

Gene: CEBPA (CCAAT enhancer binding protein alpha; minus strand). Cytogenetic location: 19q13.11.
Variant type: single nucleotide variant.
Coding change: c.655C>A on transcript NM_004364.5 (MANE Select); coding-DNA position 655, C replaced by A.
Protein change: p.His219Asn; replaces histidine 219 with asparagine.
Molecular consequence: missense variant.
Genome position (GRCh38, 1-based): chr19:33,301,760, G>T on the plus strand (C>A on the coding strand, the complement: CEBPA is on the minus strand). VCF-style: chr19-33301760-G-T. GRCh37 (hg19) VCF-style: chr19-33792666-G-T.
Other names: c.655C>A (NM_004364.3); c.298C>A, p.His100Asn (NM_001285829.2); c.760C>A, p.His254Asn (NM_001287424.2); c.613C>A, p.His205Asn (NM_001287435.2); short protein forms H219N, H100N, H205N, H254N.
Identifiers: ClinVar variation 576291 (VCV000576291.13), dbSNP rs1568419664, ClinGen allele CA405274483.

ClinVar aggregate classification (germline): Conflicting classifications of pathogenicity. Review status: criteria provided, conflicting classifications (1 of 4 stars). 3 submissions from 3 submitters: Uncertain significance (2); Likely benign (1). Last evaluated 2025-06-22.

Conditions:
Acute myeloid leukemia (AML). Also called: Leukemia, acute myeloid, somatic; Leukemia, acute myelogenous, somatic; Acute myeloid leukemia, adult; AML adult; Acute non-lymphocytic leukemia; Acute granulocytic leukemia. Identifiers: Orphanet 519, MedGen C0023467, MeSH D015470, MONDO:0018874, OMIM 601626, HP:0004808. Disease mechanism: Constitutively activated FLT3.
Inborn genetic diseases. Identifiers: MedGen C0950123, MeSH D030342.

Submissions (3):

Labcorp Genetics (formerly Invitae), Labcorp
Classification: Uncertain significance for Acute myeloid leukemia. Last evaluated: 2025-06-22. Review status: criteria provided, single submitter. Criteria: Invitae Variant Classification Sherloc (09022015). Collection method: clinical testing. Allele origin: germline.
Comment: This sequence change replaces histidine, which is basic and polar, with asparagine, which is neutral and polar, at codon 219 of the CEBPA protein (p.His219Asn). This variant is not present in population databases (gnomAD no frequency). This variant has not been reported in the literature in individuals affected with CEBPA-related conditions. ClinVar contains an entry for this variant (Variation ID: 576291). Invitae Evidence Modeling of protein sequence and biophysical properties (such as structural, functional, and spatial information, amino acid conservation, physicochemical variation, residue mobility, and thermodynamic stability) indicates that this missense variant is not expected to disrupt CEBPA protein function with a negative predictive value of 80%. In summary, the available evidence is currently insufficient to determine the role of this variant in disease. Therefore, it has been classified as a Variant of Uncertain Significance.

Ambry Genetics
Classification: Likely benign for Inborn genetic diseases. Last evaluated: 2025-01-09. Review status: criteria provided, single submitter. Criteria: Ambry Variant Classification Scheme 2023. Collection method: clinical testing. Allele origin: germline.

GeneDx
Classification: Uncertain significance. Last evaluated: 2023-06-08. Review status: criteria provided, single submitter. Criteria: GeneDx Variant Classification Process June 2021. Collection method: clinical testing. Allele origin: germline. Affected: yes.
Comment: Not observed at significant frequency in large population cohorts (gnomAD); In silico analysis supports that this missense variant does not alter protein structure/function; Has not been previously published as pathogenic or benign to our knowledge